The following is an entry in ClinVar:

ClinVar aggregate classification (germline): Likely benign (1 of 4 stars; one submission).

Submission:

CeGaT Center for Human Genetics Tuebingen
Classification: Likely benign. Last evaluated: 2022-06-01. Review status: criteria provided, single submitter. Criteria: CeGaT Center For Human Genetics Tuebingen Variant Classification Criteria Version 2. Collection method: clinical testing. Allele origin: germline. Affected: yes. Observed: 1 variant allele.
Comment: NACA: PM2:Supporting, BP4, BP7

NM_001365896.1(NACA):c.3786G>A (p.Gly1262=)

Gene: NACA (nascent polypeptide associated complex subunit alpha; minus strand). Cytogenetic location: 12q13.3.
Variant type: single nucleotide variant.
Coding change: c.3786G>A on transcript NM_001365896.1 (MANE Select); coding-DNA position 3786, G replaced by A.
Protein change: p.Gly1262=; no amino-acid change (glycine 1262 retained).
Molecular consequence: synonymous variant. On other transcripts: intron variant (6).
Genome position (GRCh38, 1-based): chr12:56,717,744, C>T on the plus strand (G>A on the coding strand, the complement: NACA is on the minus strand). VCF-style: chr12-56717744-C-T. GRCh37 (hg19) VCF-style: chr12-57111528-C-T.
Other names: c.71-3057G>A (NM_001113202.2, NM_001320194.2, NM_001320193.2 and 2 more transcripts); c.1865-1538G>A (NM_001113203.3).
Identifiers: ClinVar variation 2643102 (VCV002643102.24), dbSNP rs2547869835, ClinGen allele CA2695199094.